The following is an entry in ClinVar:

NM_002519.3(NPAT):c.3409C>T (p.Arg1137Trp)

Gene: NPAT (nuclear protein, coactivator of histone transcription; minus strand). Cytogenetic location: 11q22.3.
Variant type: single nucleotide variant.
Coding change: c.3409C>T on transcript NM_002519.3 (MANE Select); coding-DNA position 3409, C replaced by T.
Protein change: p.Arg1137Trp; replaces arginine 1137 with tryptophan.
Molecular consequence: missense variant.
Genome position (GRCh38, 1-based): chr11:108,161,677, G>A on the plus strand (C>T on the coding strand, the complement: NPAT is on the minus strand). VCF-style: chr11-108161677-G-A. GRCh37 (hg19) VCF-style: chr11-108032404-G-A.
Other names: c.3430C>T, p.Arg1144Trp (NM_001321307.1); short protein forms R1137W, R1144W.
Identifiers: ClinVar variation 1337422 (VCV001337422.8), dbSNP rs568463788, ClinGen allele CA6263586.

ClinVar aggregate classification (germline): Uncertain significance. Review status: criteria provided, multiple submitters, no conflicts (2 of 4 stars). 3 submissions from 3 submitters: Uncertain significance (3). Last evaluated 2025-10-14.

Allele frequency attached by ClinVar (database versions not stated): ExAC 0.00003; gnomAD 0.00003; TOPMed 0.00003; gnomAD exomes 0.00004; 1000 Genomes Project 30x 0.00016; 1000 Genomes Project 0.00020.
gnomAD v4.1: 39 of 1,613,898 alleles (0.0024%); highest among the groups gnomAD compares: South Asian, 0.013%; no homozygotes.

Submissions (3):

Labcorp Genetics (formerly Invitae), Labcorp
Classification: Uncertain significance. Last evaluated: 2025-10-14. Review status: criteria provided, single submitter. Criteria: Invitae Variant Classification Sherloc (09022015). Collection method: clinical testing. Allele origin: germline.
Comment: This sequence change replaces arginine, which is basic and polar, with tryptophan, which is neutral and slightly polar, at codon 1137 of the NPAT protein (p.Arg1137Trp). This variant is present in population databases (rs568463788, gnomAD 0.02%). This variant has not been reported in the literature in individuals affected with NPAT-related conditions. ClinVar contains an entry for this variant (Variation ID: 1337422). An algorithm developed to predict the effect of missense changes on protein structure and function (PolyPhen-2) suggests that this variant is likely to be disruptive. In summary, the available evidence is currently insufficient to determine the role of this variant in disease. Therefore, it has been classified as a Variant of Uncertain Significance.

Ambry Genetics
Classification: Uncertain significance. Last evaluated: 2025-09-28. Review status: criteria provided, single submitter. Criteria: Ambry Variant Classification Scheme 2023. Collection method: clinical testing. Allele origin: germline.

Genetic Services Laboratory, University of Chicago
Classification: Uncertain significance. Last evaluated: 2019-10-14. Review status: criteria provided, single submitter. Criteria: ACMG Guidelines, 2015. Collection method: clinical testing. Allele origin: germline. Affected: no.